The following is an entry in ClinVar:

NM_000944.5(PPP3CA):c.1369G>C (p.Ala457Pro)

Gene: PPP3CA (protein phosphatase 3 catalytic subunit alpha; minus strand). Cytogenetic location: 4q24.
Variant type: single nucleotide variant.
Coding change: c.1369G>C on transcript NM_000944.5 (MANE Select); coding-DNA position 1369, G replaced by C.
Protein change: p.Ala457Pro; replaces alanine 457 with proline.
Molecular consequence: missense variant. On other transcripts: intron variant (2).
Genome position (GRCh38, 1-based): chr4:101,029,166, C>G on the plus strand (G>C on the coding strand, the complement: PPP3CA is on the minus strand). VCF-style: chr4-101029166-C-G. GRCh37 (hg19) VCF-style: chr4-101950323-C-G.
Other names: c.1213+3101G>C (NM_001130692.2); c.1339+3101G>C (NM_001130691.2); short protein forms A457P.
Identifiers: ClinVar variation 4527585 (VCV004527585.1).
Genomic context (GRCh38, chr4:101,029,166, plus strand): 5'-TACACCCAGCAGAGCCCTTATCTGTTGCAGGTACAACAGAAAGGGGACTGGCCAATTTAC[C>G]TTCATCAGCCTCAATAGCCTCAACAGTAGCTGAAGAGAAGAAAGGGGGTGCAAAATGAAT-3'
Protein context (NP_000935.1, residues 447-467): ATVEAIEADE[Ala457Pro]IKGFSPQHKI

ClinVar aggregate classification (germline): Uncertain significance (1 of 4 stars; one submission).

Submission:

GeneDx
Classification: Uncertain significance. Last evaluated: 2025-04-29. Review status: criteria provided, single submitter. Criteria: GeneDx Variant Classification Process June 2021. Collection method: clinical testing. Allele origin: germline. Affected: yes.
Comment: Not observed at significant frequency in large population cohorts (gnomAD); In silico analysis indicates that this missense variant does not alter protein structure/function; Has not been previously published as pathogenic or benign to our knowledge